The following continues an entry in ClinVar:

NM_170707.4(LMNA):c.1633C>T (p.Arg545Cys)

Gene: LMNA. ClinVar aggregate classification (germline): Conflicting classifications of pathogenicity. Pathogenic (1); Uncertain significance (14).

Submissions 9 to 16 of 16:

CHEO Genetics Diagnostic Laboratory, Children's Hospital of Eastern Ontario
Classification: Uncertain significance for Cardiomyopathy. Last evaluated: 2020-01-03. Review status: criteria provided, single submitter. Criteria: ACMG Guidelines, 2015. Collection method: clinical testing. Allele origin: germline.

Kariminejad - Najmabadi Pathology & Genetics Center
Classification: Uncertain significance for Charcot-Marie-Tooth disease type 2B1; Emery-Dreifuss muscular dystrophy 2, autosomal dominant; Emery-Dreifuss muscular dystrophy 3, autosomal recessive; Congenital muscular dystrophy due to LMNA mutation. Last evaluated: 2019-12-16. Review status: criteria provided, single submitter. Criteria: ACMG Guidelines, 2015. Collection method: clinical testing. Allele origin: germline. Inheritance: Autosomal dominant inheritance. Affected: yes.
Comment: PS3_Supporting, PM1, PM2, PP2, PP3, BS4, BP2

Broad Center for Mendelian Genomics, Broad Institute of MIT and Harvard
Classification: Uncertain significance for Emery-Dreifuss muscular dystrophy 2, autosomal dominant. Last evaluated: 2018-12-03. Review status: criteria provided, single submitter. Criteria: ACMG Guidelines, 2015. Collection method: research. Allele origin: germline. Inheritance: Autosomal dominant inheritance. Affected: yes.
Comment: This variant was absent from large population studies. Computational prediction tools and conservation analyses suggest that this variant may impact the protein, though this information is not predictive enough to determine pathogenicity. In vitro functional studies with myoblasts from 2 individuals with this variant in the heterozygous state and additional computation tools provide some evidence that the p.Arg545Cys variant may impact protein function by affecting gene expression, proliferation, senescence, and differentiation, but not protein stability (PMID: 19589617, 24375749). However, these types of assays may not accurately represent biological function. This variant has also been reported in ClinVar as a VUS in association with an individual with Emery-Dreifuss muscular dystrophy (Variation ID: 66862). In summary, while there is some suspicion for a pathogenic role, the clinical significance of this variant is uncertain. ACMG/AMP Criteria applied: PM2, PP3, PS3_Moderate (Richards 2015).

Personalized Diabetes Medicine Program, University of Maryland School of Medicine
Classification: Uncertain significance for Monogenic diabetes. Last evaluated: 2018-03-27. Review status: criteria provided, single submitter. Criteria: ACMG Guidelines, 2015. Collection method: research. Allele origin: unknown. Observed: 1 variant allele, 1 heterozygote.
Comment: ACMG criteria: PP3 (10 predictors, REVEL=0.828), PM2 (absent db), PM1 (c-terminal globular domain in PMID:12057196 and PKC Alpha Binding site on the UMD database), possible PS3 (impaired proliferation and differentiation capacities of myoblasts in PMID:19589617 and 21535365)=VUS

Laboratory for Molecular Medicine, Mass General Brigham Personalized Medicine
Classification: Uncertain significance. Last evaluated: 2016-10-20. Review status: criteria provided, single submitter. Criteria: LMM Criteria. Collection method: clinical testing. Allele origin: germline.
Comment: Variant identified in a genome or exome case(s) and assessed due to predicted null impact of the variant or pathogenic assertions in the literature or databases. Disclaimer: This variant has not undergone full assessment.

CeGaT Center for Human Genetics Tuebingen
Classification: Pathogenic. Last evaluated: 2016-10-01. Review status: criteria provided, single submitter. Criteria: CeGaT Center For Human Genetics Tuebingen Variant Classification Criteria Version 2. Collection method: clinical testing. Allele origin: germline. Affected: yes. Observed: 1 variant allele.

Molecular Genetics Laboratory, London Health Sciences Centre
Classification: Uncertain significance for Charcot-Marie-Tooth disease. Review status: criteria provided, single submitter. Criteria: ACMG Guidelines, 2015. Collection method: clinical testing. Allele origin: germline. Affected: yes.

Epithelial Biology;  Institute of Medical Biology, Singapore
No classification provided. Review status: no classification provided. Collection method: not provided. Allele origin: not provided. Not counted in ClinVar's aggregate classification.

Literature cited by the submitters: PubMed 19589617 (cited by 7 submitters); PubMed 34862408 (cited by Women's Health and Genetics/Laboratory Corporation of America, LabCorp and Labcorp Genetics (formerly Invitae), Labcorp); PubMed 38374194 (cited by Women's Health and Genetics/Laboratory Corporation of America, LabCorp and Labcorp Genetics (formerly Invitae), Labcorp); PubMed 31383942 (cited by Labcorp Genetics (formerly Invitae), Labcorp); PubMed 24623722 (cited by Labcorp Genetics (formerly Invitae), Labcorp); PubMed 36282542 (cited by Color Diagnostics, LLC DBA Color Health); PubMed 24375749 (cited by Broad Center for Mendelian Genomics, Broad Institute of MIT and Harvard); PubMed 12057196 (cited by Personalized Diabetes Medicine Program, University of Maryland School of Medicine); PubMed 21535365 (cited by Personalized Diabetes Medicine Program, University of Maryland School of Medicine).